The following is an entry in ClinVar:

ClinVar aggregate classification (germline): Uncertain significance. Review status: criteria provided, multiple submitters, no conflicts (2 of 4 stars). 3 submissions from 3 submitters: Uncertain significance (3). Last evaluated 2025-04-03.

Conditions:
Inborn genetic diseases. Identifiers: MedGen C0950123, MeSH D030342.

Allele frequency attached by ClinVar (database versions not stated): gnomAD 0.00001.
gnomAD v4.1: 44 of 1,612,676 alleles (0.0027%); highest among the groups gnomAD compares: Admixed American, 0.013%; no homozygotes.

Submissions (3):

Ambry Genetics
Classification: Uncertain significance for Inborn genetic diseases. Last evaluated: 2025-04-03. Review status: criteria provided, single submitter. Criteria: Ambry Variant Classification Scheme 2023. Collection method: clinical testing. Allele origin: germline.

Labcorp Genetics (formerly Invitae), Labcorp
Classification: Uncertain significance. Last evaluated: 2025-01-24. Review status: criteria provided, single submitter. Criteria: Invitae Variant Classification Sherloc (09022015). Collection method: clinical testing. Allele origin: germline.
Comment: This sequence change replaces proline, which is neutral and non-polar, with glutamine, which is neutral and polar, at codon 312 of the RIN2 protein (p.Pro312Gln). This variant is present in population databases (rs368837181, gnomAD 0.02%). This variant has not been reported in the literature in individuals affected with RIN2-related conditions. ClinVar contains an entry for this variant (Variation ID: 1214325). Experimental studies and prediction algorithms are not available or were not evaluated, and the functional significance of this variant is currently unknown. In summary, the available evidence is currently insufficient to determine the role of this variant in disease. Therefore, it has been classified as a Variant of Uncertain Significance.

GeneDx
Classification: Uncertain significance. Last evaluated: 2023-02-08. Review status: criteria provided, single submitter. Criteria: GeneDx Variant Classification Process June 2021. Collection method: clinical testing. Allele origin: germline. Affected: yes.
Comment: In silico analysis supports that this missense variant has a deleterious effect on protein structure/function; Has not been previously published as pathogenic or benign to our knowledge

NM_018993.4(RIN2):c.935C>A (p.Pro312Gln)

Gene: RIN2 (Ras and Rab interactor 2; plus strand). Cytogenetic location: 20p11.23.
Variant type: single nucleotide variant.
Coding change: c.935C>A on transcript NM_018993.4 (MANE Select); coding-DNA position 935, C replaced by A.
Protein change: p.Pro312Gln; replaces proline 312 with glutamine.
Molecular consequence: missense variant.
Genome position (GRCh38, 1-based): chr20:19,974,960, C>A. VCF-style: chr20-19974960-C-A. GRCh37 (hg19) VCF-style: chr20-19955604-C-A.
Other names: c.1082C>A, p.Pro361Gln (NM_001242581.2); c.317C>A, p.Pro106Gln (NM_001378238.1); short protein forms P106Q, P312Q, P361Q.
Identifiers: ClinVar variation 1214325 (VCV001214325.10), dbSNP rs368837181, ClinGen allele CA9779976.
Genomic context (GRCh38, chr20:19,974,960, plus strand): 5'-GCACAAGGACTCCCAACGCGAATGGCACGGAGCGGACTCGGTCCCCCCCACCCAGGCCCC[C>A]GCCACCCGCTATTAATAGTCTCCACACAAGCCCTCGGCTGGCCAGGACTGAAACCCAGAC-3'
Protein context (NP_061866.1, residues 302-322): ERTRSPPPRP[Pro312Gln]PPAINSLHTS